The following is an entry in ClinVar:

NM_003664.5(AP3B1):c.1041-2A>G

Gene: AP3B1 (adaptor related protein complex 3 subunit beta 1; minus strand). Cytogenetic location: 5q14.1.
Variant type: single nucleotide variant.
Coding change: c.1041-2A>G on transcript NM_003664.5 (MANE Select); the canonical splice acceptor site of the intron before coding-DNA position 1041, A replaced by G.
Molecular consequence: splice acceptor variant.
Genome position (GRCh38, 1-based): chr5:78,175,840, T>C on the plus strand (A>G on the coding strand, the complement: AP3B1 is on the minus strand). VCF-style: chr5-78175840-T-C. GRCh37 (hg19) VCF-style: chr5-77471664-T-C.
Other names: c.894-2A>G (NM_001271769.2); c.1041-2A>G (NM_001410752.1).
Identifiers: ClinVar variation 3723254 (VCV003723254.2).

ClinVar aggregate classification (germline): Likely pathogenic (1 of 4 stars; one submission).

Conditions:
Hermansky-Pudlak syndrome 2 (HPS2). Also called: Platelet defects and oculocutaneous albinism. Identifiers: Orphanet 183678, Orphanet 79430, MedGen C1842362, MONDO:0011997, OMIM 608233.

Submission:

Labcorp Genetics (formerly Invitae), Labcorp
Classification: Likely pathogenic for Hermansky-Pudlak syndrome 2. Last evaluated: 2024-10-23. Review status: criteria provided, single submitter. Criteria: Invitae Variant Classification Sherloc (09022015). Collection method: clinical testing. Allele origin: germline.
Comment: This sequence change affects an acceptor splice site in intron 9 of the AP3B1 gene. It is expected to disrupt RNA splicing. Variants that disrupt the donor or acceptor splice site typically lead to a loss of protein function (PMID: 16199547), and loss-of-function variants in AP3B1 are known to be pathogenic (PMID: 16507770, 23403622). This variant is not present in population databases (gnomAD no frequency). This variant has not been reported in the literature in individuals affected with AP3B1-related conditions. Algorithms developed to predict the effect of sequence changes on RNA splicing suggest that this variant may disrupt the consensus splice site. In summary, the currently available evidence indicates that the variant is pathogenic, but additional data are needed to prove that conclusively. Therefore, this variant has been classified as Likely Pathogenic.

Literature cited by the submitters: PubMed 16199547; PubMed 16507770; PubMed 23403622.